The following is an entry in ClinVar:

NM_000245.4(MET):c.3341-8T>C

Gene: MET (MET proto-oncogene, receptor tyrosine kinase; plus strand). Cytogenetic location: 7q31.2.
Variant type: single nucleotide variant.
Coding change: c.3341-8T>C on transcript NM_000245.4 (MANE Select); 8 bases into the intron before coding-DNA position 3341, T replaced by C.
Molecular consequence: intron variant.
Genome position (GRCh38, 1-based): chr7:116,778,768, T>C. VCF-style: chr7-116778768-T-C. GRCh37 (hg19) VCF-style: chr7-116418822-T-C.
Other names: c.3395-8T>C (NM_001127500.3); c.2051-8T>C (NM_001324402.2).
Identifiers: ClinVar variation 1356079 (VCV001356079.8), dbSNP rs1323109627, ClinGen allele CA577680699.

ClinVar aggregate classification (germline): Uncertain significance (1 of 4 stars; one submission).

Conditions:
Renal cell carcinoma. Identifiers: Orphanet 217071, MedGen C0007134, MeSH D002292, MONDO:0005086, HP:0005584.

Allele frequency attached by ClinVar (database versions not stated): gnomAD exomes below 0.00001.
gnomAD v4.1: 6 of 1,613,832 alleles (0.00037%); highest among the groups gnomAD compares: Non-Finnish European, 0.00051%; no homozygotes.

Submission:

Labcorp Genetics (formerly Invitae), Labcorp
Classification: Uncertain significance for Renal cell carcinoma. Last evaluated: 2023-08-14. Review status: criteria provided, single submitter. Criteria: Invitae Variant Classification Sherloc (09022015). Collection method: clinical testing. Allele origin: germline.
Comment: This variant is present in population databases (no rsID available, gnomAD 0.0009%). In summary, the available evidence is currently insufficient to determine the role of this variant in disease. Therefore, it has been classified as a Variant of Uncertain Significance. Algorithms developed to predict the effect of sequence changes on RNA splicing suggest that this variant may disrupt the consensus splice site. ClinVar contains an entry for this variant (Variation ID: 1356079). This variant has not been reported in the literature in individuals affected with MET-related conditions. This sequence change falls in intron 16 of the MET gene. It does not directly change the encoded amino acid sequence of the MET protein.